The following is an entry in ClinVar:

NM_024675.4(PALB2):c.3320T>G (p.Leu1107Arg)

Gene: PALB2 (partner and localizer of BRCA2; minus strand). Cytogenetic location: 16p12.2.
Variant type: single nucleotide variant.
Coding change: c.3320T>G on transcript NM_024675.4 (MANE Select); coding-DNA position 3320, T replaced by G.
Protein change: p.Leu1107Arg; replaces leucine 1107 with arginine.
Molecular consequence: missense variant. On other transcripts: intron variant (8).
Genome position (GRCh38, 1-based): chr16:23,607,894, A>C on the plus strand (T>G on the coding strand, the complement: PALB2 is on the minus strand). VCF-style: chr16-23607894-A-C. GRCh37 (hg19) VCF-style: chr16-23619215-A-C.
Other names: c.3260T>G, p.Leu1087Arg (NM_001407296.1); c.3248T>G, p.Leu1083Arg (NM_001407297.1); c.3158T>G, p.Leu1053Arg (NM_001407298.1); c.3041T>G, p.Leu1014Arg (NM_001407300.1); c.2435T>G, p.Leu812Arg (NM_001407304.1, NM_001407305.1, NM_001407306.1); c.2273T>G, p.Leu758Arg (NM_001407307.1); c.1532T>G, p.Leu511Arg (NM_001407312.1); c.854T>G, p.Leu285Arg (NM_001407314.1); and 6 more; short protein forms L1014R, L1053R, L1083R, L1087R, L1107R, L285R, L511R, L758R.
Identifiers: ClinVar variation 4533158 (VCV004533158.2).

ClinVar aggregate classification (germline): Uncertain significance. Review status: criteria provided, multiple submitters, no conflicts (2 of 4 stars). 2 submissions from 2 submitters: Uncertain significance (2). Last evaluated 2026-02-03.

Conditions:
Hereditary cancer-predisposing syndrome. Also called: Neoplastic Syndromes, Hereditary; Tumor predisposition; Hereditary Cancer Syndrome; Hereditary neoplastic syndrome. Identifiers: Orphanet 140162, MedGen C0027672, MeSH D009386, MONDO:0015356.

Submissions (2):

Ambry Genetics
Classification: Uncertain significance for Hereditary cancer-predisposing syndrome. Last evaluated: 2026-02-03. Review status: criteria provided, single submitter. Criteria: Ambry Variant Classification Scheme 2023. Collection method: clinical testing. Allele origin: germline.
Comment: The p.L1107R variant (also known as c.3320T>G), located in coding exon 12 of the PALB2 gene, results from a T to G substitution at nucleotide position 3320. The leucine at codon 1107 is replaced by arginine, an amino acid with dissimilar properties. This amino acid position is well conserved in available vertebrate species. In addition, this alteration is predicted to be tolerated by in silico analysis. Based on the available evidence, the clinical significance of this variant remains unclear.

Quest Diagnostics Nichols Institute San Juan Capistrano
Classification: Uncertain significance. Last evaluated: 2025-07-16. Review status: criteria provided, single submitter. Criteria: Quest Diagnostics criteria. Collection method: clinical testing. Allele origin: unknown.
Comment: The PALB2 c.3320T>G (p.Leu1107Arg) variant has not been reported in individuals with PALB2-related conditions in the published literature. It also has not been reported in large, multi-ethnic general populations (Genome Aggregation Database). Analysis of this variant using bioinformatics tools for the prediction of the effect of amino acid changes on protein structure and function yielded conflicting predictions that this variant is benign or damaging. Based on the available information, we are unable to determine the clinical significance of this variant.